The following is an entry in ClinVar:

ClinVar aggregate classification (germline): Likely pathogenic (1 of 4 stars; one submission).

Conditions:
Congenital myopathy 4B, autosomal recessive. Also called: Nemaline myopathy 1, autosomal dominant or recessive. Identifiers: Orphanet 171433, Orphanet 171439, Orphanet 171881, MedGen C5829889, MONDO:0012239, OMIM 609284.
Congenital myopathy with fiber type disproportion. Also called: Congenital fiber-type disproportion; Congenital fiber-type disproportion myopathy. Identifiers: Orphanet 2020, MedGen C0546264, MONDO:0009711. Inheritance: all.

Submission:

Labcorp Genetics (formerly Invitae), Labcorp
Classification: Likely pathogenic for Congenital myopathy with fiber type disproportion; Congenital myopathy 4B, autosomal recessive. Last evaluated: 2024-08-12. Review status: criteria provided, single submitter. Criteria: Invitae Variant Classification Sherloc (09022015). Collection method: clinical testing. Allele origin: germline.
Comment: This sequence change replaces leucine, which is neutral and non-polar, with valine, which is neutral and non-polar, at codon 100 of the TPM3 protein (p.Leu100Val). This variant is not present in population databases (gnomAD no frequency). This missense change has been observed in individuals with congenital fibre-type disproportion (PMID: 24692096; Invitae). It has also been observed to segregate with disease in related individuals. ClinVar contains an entry for this variant (Variation ID: 531180). Advanced modeling of protein sequence and biophysical properties (such as structural, functional, and spatial information, amino acid conservation, physicochemical variation, residue mobility, and thermodynamic stability) performed at Invitae indicates that this missense variant is expected to disrupt TPM3 protein function with a positive predictive value of 80%. This variant disrupts the p.Leu100 amino acid residue in TPM3. Other variant(s) that disrupt this residue have been observed in individuals with TPM3-related conditions (PMID: 18300303, 22749829, 26307083), which suggests that this may be a clinically significant amino acid residue. In summary, the currently available evidence indicates that the variant is pathogenic, but additional data are needed to prove that conclusively. Therefore, this variant has been classified as Likely Pathogenic.

Literature cited by the submitters: PubMed 24692096; PubMed 18300303; PubMed 22749829; PubMed 26307083.

NM_152263.4(TPM3):c.298C>G (p.Leu100Val)

Gene: TPM3 (tropomyosin 3; minus strand). Cytogenetic location: 1q21.3.
Variant type: single nucleotide variant.
Coding change: c.298C>G on transcript NM_152263.4 (MANE Select); coding-DNA position 298, C replaced by G.
Protein change: p.Leu100Val; replaces leucine 100 with valine.
Molecular consequence: missense variant. On other transcripts: 5 prime UTR variant (1), non-coding transcript variant (1), intron variant (1).
Genome position (GRCh38, 1-based): chr1:154,176,194, G>C on the plus strand (C>G on the coding strand, the complement: TPM3 is on the minus strand). VCF-style: chr1-154176194-G-C. GRCh37 (hg19) VCF-style: chr1-154148670-G-C.
Other names: c.187C>G, p.Leu63Val (NM_001043351.2, NM_001043352.2, NM_001043353.2 and 5 more transcripts); c.-84C>G (NM_001278191.2); c.298C>G, p.Leu100Val (NM_001364679.2, NM_001364680.2, NM_001364681.2 and 1 more transcripts); c.69-2993C>G (NM_001278188.2); short protein forms L100V, L63V.
Identifiers: ClinVar variation 531180 (VCV000531180.9), dbSNP rs121964853, ClinGen allele CA342585012.